The following is an entry in ClinVar:

ClinVar aggregate classification (germline): Uncertain significance (1 of 4 stars; one submission).

Conditions:
SPEN-related disorder. Also called: SPEN-related condition.

Submission:

PreventionGenetics, part of Exact Sciences
Classification: Uncertain significance for SPEN-related condition. Last evaluated: 2026-03-13. Review status: criteria provided, single submitter. Criteria: ACMG Guidelines, 2015. Collection method: clinical testing. Allele origin: germline.
Comment: The SPEN c.10598T>C variant is predicted to result in the amino acid substitution p.Leu3533Pro. To our knowledge, this variant has not been reported in the literature or in a large population database (gnomAD), indicating this variant is rare. At this time, the clinical significance of this variant is uncertain due to the absence of conclusive functional and genetic evidence.

NM_015001.3(SPEN):c.10598T>C (p.Leu3533Pro)

Gene: SPEN (spen family transcriptional repressor; plus strand). Cytogenetic location: 1p36.13.
Variant type: single nucleotide variant.
Coding change: c.10598T>C on transcript NM_015001.3 (MANE Select); coding-DNA position 10598, T replaced by C.
Protein change: p.Leu3533Pro; replaces leucine 3533 with proline.
Molecular consequence: missense variant.
Genome position (GRCh38, 1-based): chr1:15,937,900, T>C. VCF-style: chr1-15937900-T-C. GRCh37 (hg19) VCF-style: chr1-16264395-T-C.
Other names: short protein forms L3533P.
Identifiers: ClinVar variation 4991532 (VCV004991532.1).